The following is an entry in ClinVar:

NM_012330.4(KAT6B):c.2861+6T>A

Gene: KAT6B (lysine acetyltransferase 6B; plus strand). Cytogenetic location: 10q22.2.
Variant type: single nucleotide variant.
Coding change: c.2861+6T>A on transcript NM_012330.4 (MANE Select); 6 bases into the intron after coding-DNA position 2861, T replaced by A.
Molecular consequence: intron variant.
Genome position (GRCh38, 1-based): chr10:75,020,819, T>A. VCF-style: chr10-75020819-T-A. GRCh37 (hg19) VCF-style: chr10-76780577-T-A.
Other names: c.1985+6T>A (NM_001370139.1, NM_001370140.1, NM_001370141.1 and 2 more transcripts); c.2861+6T>A (NM_001370136.1, NM_001370137.1); c.2312+6T>A (NM_001370138.1, NM_001256468.2); c.1172+6T>A (NM_001370133.1); c.776+6T>A (NM_001370134.1); c.1796+6T>A (NM_001370143.1, NM_001370144.1); c.1823+6T>A (NM_001370132.1); c.518+6T>A (NM_001370135.1).
Identifiers: ClinVar variation 3728699 (VCV003728699.2).
Genomic context (GRCh38, chr10:75,020,819, plus strand): 5'-ATGACATTGCCACCACTCTGCAGCACCTCCACATGATCGACAAGAGAGATGGCAGGTGAG[T>A]CCTGGGACCCTGGGCAGCTCCGTGGCTCAGGCATCCCACACCAGAAAGGGTCCCTGGAGA-3'

ClinVar aggregate classification (germline): Uncertain significance (1 of 4 stars; one submission).

Conditions:
Genitopatellar syndrome (GTPTS). Also called: Genitopatellar syndrome (GPS); ABSENT PATELLAE, SCROTAL HYPOPLASIA, RENAL ANOMALIES, FACIAL DYSMORPHISM, AND MENTAL RETARDATION. Identifiers: Orphanet 85201, MedGen C1853566, MONDO:0011640, OMIM 606170.

Submission:

Labcorp Genetics (formerly Invitae), Labcorp
Classification: Uncertain significance for Genitopatellar syndrome. Last evaluated: 2025-01-08. Review status: criteria provided, single submitter. Criteria: Invitae Variant Classification Sherloc (09022015). Collection method: clinical testing. Allele origin: germline.
Comment: This sequence change falls in intron 14 of the KAT6B gene. It does not directly change the encoded amino acid sequence of the KAT6B protein. It affects a nucleotide within the consensus splice site. This variant is not present in population databases (gnomAD no frequency). This variant has not been reported in the literature in individuals affected with KAT6B-related conditions. Variants that disrupt the consensus splice site are a relatively common cause of aberrant splicing (PMID: 17576681, 9536098). Algorithms developed to predict the effect of sequence changes on RNA splicing suggest that this variant is not likely to affect RNA splicing. In summary, the available evidence is currently insufficient to determine the role of this variant in disease. Therefore, it has been classified as a Variant of Uncertain Significance.

Literature cited by the submitters: PubMed 17576681; PubMed 9536098.